The following is an entry in ClinVar:

NM_181741.4(ORC4):c.10C>T (p.Arg4Cys)

Gene: ORC4 (origin recognition complex subunit 4; minus strand). Cytogenetic location: 2q23.1.
Variant type: single nucleotide variant.
Coding change: c.10C>T on transcript NM_181741.4 (MANE Select); coding-DNA position 10, C replaced by T.
Protein change: p.Arg4Cys; replaces arginine 4 with cysteine.
Molecular consequence: missense variant. On other transcripts: 5 prime UTR variant (1), intron variant (2).
Genome position (GRCh38, 1-based): chr2:147,975,949, G>A on the plus strand (C>T on the coding strand, the complement: ORC4 is on the minus strand). VCF-style: chr2-147975949-G-A. GRCh37 (hg19) VCF-style: chr2-148733518-G-A.
Other names: c.10C>T, p.Arg4Cys (NM_001190879.3, NM_001374270.1, NM_002552.5 and 1 more transcripts); c.-308C>T (NM_001374272.1); c.-27-17083C>T (NM_001190881.3); c.-165-2425C>T (NM_001190882.3); short protein forms R4C.
Identifiers: ClinVar variation 1051528 (VCV001051528.7), dbSNP rs779531006, ClinGen allele CA1899775.
Genomic context (GRCh38, chr2:147,975,949, plus strand): 5'-AATACATACTAACCTGTGAAAGGCACTCTGTGTGAATTAAGCTGTTACTCTTTGATTTAC[G>A]ACTGCTCATTTCAACAAATTCAAATCCTTTAAAAAAATTGGCATAAATATTATAAACGTA-3'
Protein context (NP_859525.1, residues 1-14): MSS[Arg4Cys]KSKSNSLIHT

ClinVar aggregate classification (germline): Uncertain significance (1 of 4 stars; one submission).

Allele frequency attached by ClinVar (database versions not stated): gnomAD 0.00001; TOPMed 0.00001; ExAC 0.00004.
gnomAD v4.1: 25 of 1,582,790 alleles (0.0016%); highest among the groups gnomAD compares: Middle Eastern, 0.017%; no homozygotes.

Submission:

Labcorp Genetics (formerly Invitae), Labcorp
Classification: Uncertain significance. Last evaluated: 2021-11-08. Review status: criteria provided, single submitter. Criteria: Invitae Variant Classification Sherloc (09022015). Collection method: clinical testing. Allele origin: germline.
Comment: In summary, the available evidence is currently insufficient to determine the role of this variant in disease. Therefore, it has been classified as a Variant of Uncertain Significance. Algorithms developed to predict the effect of missense changes on protein structure and function are either unavailable or do not agree on the potential impact of this missense change (SIFT: "Tolerated"; PolyPhen-2: "Probably Damaging"; Align-GVGD: "Class C0"). ClinVar contains an entry for this variant (Variation ID: 1051528). This variant has not been reported in the literature in individuals affected with ORC4-related conditions. This variant is present in population databases (rs779531006, gnomAD 0.006%). This sequence change replaces arginine, which is basic and polar, with cysteine, which is neutral and slightly polar, at codon 4 of the ORC4 protein (p.Arg4Cys).